The following is an entry in ClinVar:

ClinVar aggregate classification (germline): Uncertain significance. Review status: criteria provided, multiple submitters, no conflicts (2 of 4 stars). 2 submissions from 2 submitters: Uncertain significance (2). Last evaluated 2026-09-01.

Submissions (2):

CeGaT Center for Human Genetics Tuebingen
Classification: Uncertain significance. Last evaluated: 2026-09-01. Review status: criteria provided, single submitter. Criteria: CeGaT Center For Human Genetics Tuebingen Variant Classification Criteria Version 2. Collection method: clinical testing. Allele origin: germline. Affected: yes. Observed: 2 variant alleles.
Comment: ADAMTS2: PM2

Women's Health and Genetics/Laboratory Corporation of America, LabCorp
Classification: Uncertain significance. Last evaluated: 2026-06-02. Review status: criteria provided, single submitter. Criteria: LabCorp Variant Classification Summary - May 2015. Collection method: clinical testing. Allele origin: germline.
Comment: Variant summary: ADAMTS2 c.784_786delinsACA (p.Ala262Thr) results in a non-conservative amino acid change in the encoded protein sequence. Algorithms developed to predict the effect of missense changes on protein structure and function are either unavailable or do not agree on the potential impact of this missense change. The variant was absent in 282786 control chromosomes. The available data on variant occurrences in the general population are insufficient to allow any conclusion about variant significance. To our knowledge, no occurrence of c.784_786delinsACA in individuals affected with ADAMTS2-related conditions and no experimental evidence demonstrating its impact on protein function have been reported. ClinVar contains an entry for this variant (Variation ID: 4537334). Based on the evidence outlined above, the variant was classified as uncertain significance.

NM_014244.5(ADAMTS2):c.784_786delinsACA (p.Ala262Thr)

Gene: ADAMTS2 (ADAM metallopeptidase with thrombospondin type 1 motif 2; minus strand). Cytogenetic location: 5q35.3.
Variant type: Indel.
Coding change: c.784_786delinsACA on transcript NM_014244.5 (MANE Select); coding-DNA positions 784 to 786, GCG replaced by ACA.
Protein change: p.Ala262Thr; replaces alanine 262 with threonine.
Molecular consequence: missense variant.
Genome position (GRCh38, 1-based): chr5:179,207,618-179,207,620, CGC replaced by TGT on the plus strand (GCG replaced by ACA on the coding strand, the reverse complement: ADAMTS2 is on the minus strand). VCF-style: chr5-179207618-CGC-TGT. GRCh37 (hg19) VCF-style: chr5-178634619-CGC-TGT.
Other names: c.784_786delinsACA, p.Ala262Thr (NM_021599.4); short protein forms A262T.
Identifiers: ClinVar variation 4537334 (VCV004537334.4).